The following is an entry in ClinVar:

ClinVar aggregate classification (germline): Likely pathogenic (1 of 4 stars; one submission).

Submission:

Labcorp Genetics (formerly Invitae), Labcorp
Classification: Likely pathogenic. Last evaluated: 2023-06-14. Review status: criteria provided, single submitter. Criteria: Invitae Variant Classification Sherloc (09022015). Collection method: clinical testing. Allele origin: germline.
Comment: This sequence change affects a donor splice site in intron 6 of the ASAH1 gene. It is expected to disrupt RNA splicing. Variants that disrupt the donor or acceptor splice site typically lead to a loss of protein function (PMID: 16199547), and loss-of-function variants in ASAH1 are known to be pathogenic (PMID: 24164096, 24355074). This variant is not present in population databases (gnomAD no frequency). This variant has not been reported in the literature in individuals affected with ASAH1-related conditions. Algorithms developed to predict the effect of sequence changes on RNA splicing suggest that this variant may disrupt the consensus splice site. In summary, the currently available evidence indicates that the variant is pathogenic, but additional data are needed to prove that conclusively. Therefore, this variant has been classified as Likely Pathogenic.

Literature cited by the submitters: PubMed 16199547; PubMed 24164096; PubMed 24355074.

NM_177924.5(ASAH1):c.457+1G>A

Gene: ASAH1 (N-acylsphingosine amidohydrolase 1; minus strand). Cytogenetic location: 8p22.
Variant type: single nucleotide variant.
Coding change: c.457+1G>A on transcript NM_177924.5 (MANE Select); the canonical splice donor site of the intron after coding-DNA position 457, G replaced by A.
Molecular consequence: splice donor variant.
Genome position (GRCh38, 1-based): chr8:18,064,456, C>T on the plus strand (G>A on the coding strand, the complement: ASAH1 is on the minus strand). VCF-style: chr8-18064456-C-T. GRCh37 (hg19) VCF-style: chr8-17921965-C-T.
Other names: c.505+1G>A (NM_004315.6); c.439+1G>A (NM_001127505.3); c.262+1G>A (NM_001363743.2).
Identifiers: ClinVar variation 2825841 (VCV002825841.3), dbSNP rs2537937458, ClinGen allele CA370431448.
Genomic context (GRCh38, chr8:18,064,456, plus strand): 5'-TTAGAAGATTTTTCTTTATGTAGTGCTTCATGCTGCCCACCCTCCCTCAGCGCACAATTA[C>T]CTTTTTTGTCTTCTGCTACTATTGAAGTACAAATGGTAAATAATTCATAAAAAATATTGA-3'